The following is an entry in ClinVar:

NM_002332.3(LRP1):c.11344C>G (p.Leu3782Val)

Gene: LRP1 (LDL receptor related protein 1; plus strand). Cytogenetic location: 12q13.3.
Variant type: single nucleotide variant.
Coding change: c.11344C>G on transcript NM_002332.3 (MANE Select); coding-DNA position 11344, C replaced by G.
Protein change: p.Leu3782Val; replaces leucine 3782 with valine.
Molecular consequence: missense variant.
Genome position (GRCh38, 1-based): chr12:57,205,359, C>G. VCF-style: chr12-57205359-C-G. GRCh37 (hg19) VCF-style: chr12-57599142-C-G.
Other names: short protein forms L3782V.
Identifiers: ClinVar variation 4976645 (VCV004976645.1).

ClinVar aggregate classification (germline): Uncertain significance (1 of 4 stars; one submission).

Submission:

GeneDx
Classification: Uncertain significance. Last evaluated: 2023-06-12. Review status: criteria provided, single submitter. Criteria: GeneDx Variant Classification Process June 2021. Collection method: clinical testing. Allele origin: germline.
Comment: Not observed at significant frequency in large population cohorts (gnomAD); In silico analysis supports that this missense variant does not alter protein structure/function; Has not been previously published as pathogenic or benign to our knowledge; Variants in candidate genes are classified as variants of uncertain significance in accordance with ACMG guidelines (Richards et al., 2015)